The following is an entry in ClinVar:

NM_170606.3(KMT2C):c.11520A>T (p.Thr3840=)

Genes: KMT2C (lysine methyltransferase 2C; minus strand), LOC129999675 (ATAC-STARR-seq lymphoblastoid active region 26876; plus strand). Cytogenetic location: 7q36.1.
Variant type: single nucleotide variant.
Coding change: c.11520A>T on transcript NM_170606.3 (MANE Select); coding-DNA position 11520, A replaced by T.
Protein change: p.Thr3840=; no amino-acid change (threonine 3840 retained).
Molecular consequence: synonymous variant.
Genome position (GRCh38, 1-based): chr7:152,159,013, T>A on the plus strand (A>T on the coding strand, the complement: KMT2C is on the minus strand). VCF-style: chr7-152159013-T-A. GRCh37 (hg19) VCF-style: chr7-151856098-T-A.
Identifiers: ClinVar variation 1671607 (VCV001671607.26), dbSNP rs747821479, ClinGen allele CA4579072.

ClinVar aggregate classification (germline): Likely benign. Review status: criteria provided, multiple submitters, no conflicts (2 of 4 stars). 2 submissions from 2 submitters: Likely benign (2). Last evaluated 2025-10-20.

Allele frequency attached by ClinVar (database versions not stated): ExAC 0.00006; gnomAD exomes 0.00006 and 0.00010; TOPMed 0.00008; gnomAD 0.00011.
gnomAD v4.1: 162 of 1,614,124 alleles (0.01%); highest among the groups gnomAD compares: South Asian, 0.015%; no homozygotes.

Submissions (2):

Labcorp Genetics (formerly Invitae), Labcorp
Classification: Likely benign. Last evaluated: 2025-10-20. Review status: criteria provided, single submitter. Criteria: Invitae Variant Classification Sherloc (09022015). Collection method: clinical testing. Allele origin: germline.

CeGaT Center for Human Genetics Tuebingen
Classification: Likely benign. Last evaluated: 2024-06-01. Review status: criteria provided, single submitter. Criteria: CeGaT Center For Human Genetics Tuebingen Variant Classification Criteria Version 2. Collection method: clinical testing. Allele origin: germline. Affected: yes. Observed: 1 variant allele.
Comment: KMT2C: BP4, BP7